The following is an entry in ClinVar:

ClinVar aggregate classification (germline): Uncertain significance (1 of 4 stars; one submission).

Submission:

CeGaT Center for Human Genetics Tuebingen
Classification: Uncertain significance. Last evaluated: 2023-02-01. Review status: criteria provided, single submitter. Criteria: CeGaT Center For Human Genetics Tuebingen Variant Classification Criteria Version 2. Collection method: clinical testing. Allele origin: germline. Affected: yes. Observed: 1 variant allele.
Comment: TTLL5: PM2, PM3, BP1

NM_015072.5(TTLL5):c.338T>G (p.Leu113Arg)

Gene: TTLL5 (tubulin tyrosine ligase like 5; plus strand). Cytogenetic location: 14q24.3.
Variant type: single nucleotide variant.
Coding change: c.338T>G on transcript NM_015072.5 (MANE Select); coding-DNA position 338, T replaced by G.
Protein change: p.Leu113Arg; replaces leucine 113 with arginine.
Molecular consequence: missense variant.
Genome position (GRCh38, 1-based): chr14:75,683,623, T>G. VCF-style: chr14-75683623-T-G. GRCh37 (hg19) VCF-style: chr14-76149966-T-G.
Other names: short protein forms L113R.
Identifiers: ClinVar variation 2644375 (VCV002644375.24), dbSNP rs2140122584, ClinGen allele CA390452544.